The following is an entry in ClinVar:

NM_001139.3(ALOX12B):c.1498G>C (p.Asp500His)

Gene: ALOX12B (arachidonate 12-lipoxygenase, 12R type; minus strand). Cytogenetic location: 17p13.1.
Variant type: single nucleotide variant.
Coding change: c.1498G>C on transcript NM_001139.3 (MANE Select); coding-DNA position 1498, G replaced by C.
Protein change: p.Asp500His; replaces aspartic acid 500 with histidine.
Molecular consequence: missense variant.
Genome position (GRCh38, 1-based): chr17:8,076,209, C>G on the plus strand (G>C on the coding strand, the complement: ALOX12B is on the minus strand). VCF-style: chr17-8076209-C-G. GRCh37 (hg19) VCF-style: chr17-7979527-C-G.
Other names: c.1498G>C, p.Asp500His (LRG_1264t1); short protein forms D500H.
Identifiers: ClinVar variation 423233 (VCV000423233.4), dbSNP rs1064796312, ClinGen allele CA16620653.

ClinVar aggregate classification (germline): Uncertain significance. Review status: criteria provided, single submitter (1 of 4 stars). 2 submissions from 2 submitters: Uncertain significance (1). 1 of the submissions does not count toward it. Last evaluated 2017-01-26.

Conditions:
Autosomal recessive congenital ichthyosis 2 (ARCI2). Identifiers: Orphanet 281122, Orphanet 79394, MedGen C3888093, MONDO:0009439, OMIM 242100.

gnomAD v4.1: 4 of 1,614,142 alleles (0.00025%); highest among the groups gnomAD compares: Non-Finnish European, 0.00034%; no homozygotes.

Submissions (2):

GeneDx
Classification: Uncertain significance. Last evaluated: 2017-01-26. Review status: criteria provided, single submitter. Criteria: GeneDx Variant Classification (06012015). Collection method: clinical testing. Allele origin: germline. Affected: yes.
Comment: To our knowledge, the D500H variant in the ALOX12B gene has not been reported previously as a pathogenic variant, nor as a benign variant. It was not observed in approximately 6,500 individuals of European and African American ancestry in the NHLBI Exome Sequencing Project, indicating it is not a common benign variant in these populations. D500H is a non-conservative amino acid substitution, which is likely to impact secondary protein structure as these residues differ in polarity, charge, size and/or other properties. Although this substitution occurs at a position where amino acids with similar properties to Histidine are tolerated across species, in silico analysis predicts this variant is probably damaging to the protein structure/function. Additionally, missense variant in nearby residue (R499H) has also been reported in the homozygous state in a patient with ARCI (Buckova et al., 2016). We interpret D500H as a variant of uncertain significance.

Institute for Human Genetics, University Medical Center Freiburg
Classification: Pathogenic for Autosomal recessive congenital ichthyosis 2. Last evaluated: 2021-01-07. Review status: no assertion criteria provided. Collection method: clinical testing. Allele origin: unknown. Affected: yes. Not counted in ClinVar's aggregate classification.